The following is an entry in ClinVar:

ClinVar aggregate classification (germline): Uncertain significance (1 of 4 stars; one submission).

Conditions:
Cardiovascular phenotype. Identifiers: MedGen CN230736.

gnomAD v4.1: 2 of 1,614,090 alleles (0.00012%); highest among the groups gnomAD compares: African/African-American, 0.0027%; no homozygotes.

Submission:

Ambry Genetics
Classification: Uncertain significance for Cardiovascular phenotype. Last evaluated: 2023-02-03. Review status: criteria provided, single submitter. Criteria: Ambry Variant Classification Scheme 2023. Collection method: clinical testing. Allele origin: germline.
Comment: The p.M827V variant (also known as c.2479A>G), located in coding exon 16 of the ABCA1 gene, results from an A to G substitution at nucleotide position 2479. The methionine at codon 827 is replaced by valine, an amino acid with highly similar properties. This amino acid position is conserved. In addition, this alteration is predicted to be tolerated by in silico analysis. Since supporting evidence is limited at this time, the clinical significance of this alteration remains unclear.

NM_005502.4(ABCA1):c.2479A>G (p.Met827Val)

Gene: ABCA1 (ATP binding cassette subfamily A member 1; minus strand). Cytogenetic location: 9q31.1.
Variant type: single nucleotide variant.
Coding change: c.2479A>G on transcript NM_005502.4 (MANE Select); coding-DNA position 2479, A replaced by G.
Protein change: p.Met827Val; replaces methionine 827 with valine.
Molecular consequence: missense variant.
Genome position (GRCh38, 1-based): chr9:104,825,746, T>C on the plus strand (A>G on the coding strand, the complement: ABCA1 is on the minus strand). VCF-style: chr9-104825746-T-C. GRCh37 (hg19) VCF-style: chr9-107588027-T-C.
Other names: short protein forms M827V.
Identifiers: ClinVar variation 2454049 (VCV002454049.2), dbSNP rs1396113456, ClinGen allele CA374321093.